The following is an entry in ClinVar:

NM_001430.5(EPAS1):c.2441C>G (p.Ser814Trp)

Gene: EPAS1 (endothelial PAS domain protein 1; plus strand). Cytogenetic location: 2p21.
Variant type: single nucleotide variant.
Coding change: c.2441C>G on transcript NM_001430.5 (MANE Select); coding-DNA position 2441, C replaced by G.
Protein change: p.Ser814Trp; replaces serine 814 with tryptophan.
Molecular consequence: missense variant.
Genome position (GRCh38, 1-based): chr2:46,382,578, C>G. VCF-style: chr2-46382578-C-G. GRCh37 (hg19) VCF-style: chr2-46609717-C-G.
Other names: short protein forms S814W.
Identifiers: ClinVar variation 2497563 (VCV002497563.2), dbSNP rs765717751, ClinGen allele CA1645354.

ClinVar aggregate classification (germline): Uncertain significance (1 of 4 stars; one submission).

Conditions:
Inborn genetic diseases. Identifiers: MedGen C0950123, MeSH D030342.

Allele frequency attached by ClinVar (database versions not stated): ExAC 0.00001.
gnomAD v4.1: 1 of 1,614,146 alleles (0.000062%); highest among the groups gnomAD compares: South Asian, 0.0011%; no homozygotes.

Submission:

Ambry Genetics
Classification: Uncertain significance for Inborn genetic diseases. Last evaluated: 2022-11-05. Review status: criteria provided, single submitter. Criteria: Ambry Variant Classification Scheme 2023. Collection method: clinical testing. Allele origin: germline.
Comment: The p.S814W variant (also known as c.2441C>G), located in coding exon 15 of the EPAS1 gene, results from a C to G substitution at nucleotide position 2441. The serine at codon 814 is replaced by tryptophan, an amino acid with highly dissimilar properties. This amino acid position is conserved. In addition, this alteration is predicted to be tolerated by in silico analysis. Since supporting evidence is limited at this time, the clinical significance of this alteration remains unclear.